The following is an entry in ClinVar:

ClinVar aggregate classification (germline): Benign (1 of 4 stars; one submission).

Conditions:
MELAS syndrome (MELAS). Also called: Juvenile myopathy, encephalopathy, lactic acidosis, stroke. Identifiers: Orphanet 550, MedGen C0162671, MONDO:0010789, OMIM 540000.

Submission:

Wong Mito Lab, Molecular and Human Genetics, Baylor College of Medicine
Classification: Benign for MELAS syndrome. Last evaluated: 2019-07-12. Review status: criteria provided, single submitter. Criteria: Modified ACMG Guidelines (Unpublished). Collection method: clinical testing. Allele origin: germline.
Comment: The NC_012920.1:m.4371T>C variant in MT-TQ gene is interpreted to be a Benign variant based on the modified ACMG guidelines (unpublished). This variant meets the following evidence codes reported in the guidelines: BS1, BS4, BP4

Literature cited by the submitters: PubMed 31965079.

NC_012920.1(MT-TQ):m.4371T>C

Gene: MT-TQ (mitochondrially encoded tRNA glutamine; minus strand).
Variant type: single nucleotide variant.
Genome position: chrM-4371-T-C.
Identifiers: ClinVar variation 689894 (VCV000689894.1), dbSNP rs1603219428, ClinGen allele CA913177903.